The following is an entry in ClinVar:

ClinVar aggregate classification (germline): Pathogenic (1 of 4 stars; one submission).

Conditions:
Mucopolysaccharidosis, MPS-IV-A (MPS4A). Also called: Mucopolysaccharidosis type IV A; Mucopolysaccharidosis Type IVA; Morquio syndrome A, mild; MORQUIO SYNDROME A; MPS IVA; mucopolysaccharidosis type 4A. Identifiers: Orphanet 309297, Orphanet 582, MedGen C0086651, MONDO:0009659, OMIM 253000.

Allele frequency attached by ClinVar (database versions not stated): gnomAD exomes below 0.00001.
gnomAD v4.1: 1 of 1,612,596 alleles (0.000062%); highest among the groups gnomAD compares: Non-Finnish European, 0.000085%; no homozygotes.

Submission:

Laboratory of Diagnosis and Therapy of Lysosomal Disorders, University of Padova
Classification: Pathogenic for Mucopolysaccharidosis, MPS-IV-A. Last evaluated: 2021-02-01. Review status: criteria provided, single submitter. Criteria: ACMG Guidelines, 2015. Collection method: research. Allele origin: germline. Affected: yes.
Comment: Splicing variant in canonical site (PVS1_very strong); in vivo functional studies supportive of a damaging effect on the gene product (low to null enzymatic activity in homozygotes; PS3_supporting); absent from gnomAD v2.1.1 (PM2_moderate)

Literature cited by the submitters: PubMed 32993725; PubMed 34387910.

NM_000512.5(GALNS):c.244+1G>T

Gene: GALNS (galactosamine (N-acetyl)-6-sulfatase; minus strand). Cytogenetic location: 16q24.3.
Variant type: single nucleotide variant.
Coding change: c.244+1G>T on transcript NM_000512.5 (MANE Select); the canonical splice donor site of the intron after coding-DNA position 244, G replaced by T.
Molecular consequence: splice donor variant. On other transcripts: intron variant (1).
Genome position (GRCh38, 1-based): chr16:88,842,705, C>A on the plus strand (G>T on the coding strand, the complement: GALNS is on the minus strand). VCF-style: chr16-88842705-C-A. GRCh37 (hg19) VCF-style: chr16-88909113-C-A.
Other names: c.-311-734G>T (NM_001323543.2); c.262+1G>T (NM_001323544.2).
Identifiers: ClinVar variation 1048392 (VCV001048392.3), dbSNP rs2143005452, ClinGen allele CA397091107.
Genomic context (GRCh38, chr16:88,842,705, plus strand): 5'-CCGGGAGGCCTCGGCCTGTTGGGCTCACCCCTTCCTGGGGGCGAGGGCCCCGCTGACTTA[C>A]ATGGCGAGCACAGAGGGTTGGCAGAATAGAAGTTTGGGAAAAGCAGCCCTTCTGCAGCCA-3'